The following is an entry in ClinVar:

ClinVar aggregate classification (germline): Uncertain significance. Review status: criteria provided, multiple submitters, no conflicts (2 of 4 stars). 3 submissions from 3 submitters: Uncertain significance (3). Last evaluated 2025-03-11.

Allele frequency attached by ClinVar (database versions not stated): ExAC 0.00004; gnomAD exomes 0.00004 and 0.00005; gnomAD 0.00005 and 0.00006; TOPMed 0.00006.

Submissions (3):

Labcorp Genetics (formerly Invitae), Labcorp
Classification: Uncertain significance. Last evaluated: 2025-03-11. Review status: criteria provided, single submitter. Criteria: Invitae Variant Classification Sherloc (09022015). Collection method: clinical testing. Allele origin: germline.
Comment: This sequence change replaces glycine, which is neutral and non-polar, with glutamic acid, which is acidic and polar, at codon 173 of the ROM1 protein (p.Gly173Glu). This variant is present in population databases (rs766841671, gnomAD 0.06%). This variant has not been reported in the literature in individuals affected with ROM1-related conditions. ClinVar contains an entry for this variant (Variation ID: 963175). Invitae Evidence Modeling of protein sequence and biophysical properties (such as structural, functional, and spatial information, amino acid conservation, physicochemical variation, residue mobility, and thermodynamic stability) indicates that this missense variant is not expected to disrupt ROM1 protein function with a negative predictive value of 80%. In summary, the available evidence is currently insufficient to determine the role of this variant in disease. Therefore, it has been classified as a Variant of Uncertain Significance.

CeGaT Center for Human Genetics Tuebingen
Classification: Uncertain significance. Last evaluated: 2024-08-01. Review status: criteria provided, single submitter. Criteria: CeGaT Center For Human Genetics Tuebingen Variant Classification Criteria Version 2. Collection method: clinical testing. Allele origin: germline. Affected: yes. Observed: 1 variant allele.
Comment: ROM1: PM2

Ambry Genetics
Classification: Uncertain significance. Last evaluated: 2023-10-10. Review status: criteria provided, single submitter. Criteria: Ambry Variant Classification Scheme 2023. Collection method: clinical testing. Allele origin: germline.

NM_000327.4(ROM1):c.518G>A (p.Gly173Glu)

Gene: ROM1 (retinal outer segment membrane protein 1; plus strand). Cytogenetic location: 11q12.3.
Variant type: single nucleotide variant.
Coding change: c.518G>A on transcript NM_000327.4 (MANE Select); coding-DNA position 518, G replaced by A.
Protein change: p.Gly173Glu; replaces glycine 173 with glutamic acid.
Molecular consequence: missense variant.
Genome position (GRCh38, 1-based): chr11:62,613,799, G>A. VCF-style: chr11-62613799-G-A. GRCh37 (hg19) VCF-style: chr11-62381271-G-A.
Other names: short protein forms G173E.
Identifiers: ClinVar variation 963175 (VCV000963175.27), dbSNP rs766841671, ClinGen allele CA6049754.